The following is an entry in ClinVar:

ClinVar aggregate classification (germline): Conflicting classifications of pathogenicity. Review status: criteria provided, conflicting classifications (1 of 4 stars). 3 submissions from 3 submitters: Uncertain significance (1); Benign (1); Likely benign (1). Last evaluated 2024-10-22.

Allele frequency attached by ClinVar (database versions not stated): ExAC 0.00005; gnomAD 0.00005; gnomAD exomes 0.00009.
gnomAD v4.1: 67 of 1,612,604 alleles (0.0042%); highest among the groups gnomAD compares: Non-Finnish European, 0.0024%; no homozygotes.

Submissions (3):

Labcorp Genetics (formerly Invitae), Labcorp
Classification: Likely benign. Last evaluated: 2024-10-22. Review status: criteria provided, single submitter. Criteria: Invitae Variant Classification Sherloc (09022015). Collection method: clinical testing. Allele origin: germline.

Blueprint Genetics
Classification: Benign. Last evaluated: 2024-10-03. Review status: criteria provided, single submitter. Criteria: ACMG Guidelines, 2015. Collection method: clinical testing. Allele origin: germline.

GeneDx
Classification: Uncertain significance. Last evaluated: 2021-05-27. Review status: criteria provided, single submitter. Criteria: GeneDx Variant Classification Process June 2021. Collection method: clinical testing. Allele origin: germline. Affected: yes.
Comment: In silico analysis supports that this missense variant does not alter protein structure/function; Has not been previously published as pathogenic or benign to our knowledge; This variant is associated with the following publications: (PMID: 27535533)

NM_012193.4(FZD4):c.98C>A (p.Pro33Gln)

Gene: FZD4 (frizzled class receptor 4; minus strand). Cytogenetic location: 11q14.2.
Variant type: single nucleotide variant.
Coding change: c.98C>A on transcript NM_012193.4 (MANE Select); coding-DNA position 98, C replaced by A.
Protein change: p.Pro33Gln; replaces proline 33 with glutamine.
Molecular consequence: missense variant.
Genome position (GRCh38, 1-based): chr11:86,954,988, G>T on the plus strand (C>A on the coding strand, the complement: FZD4 is on the minus strand). VCF-style: chr11-86954988-G-T. GRCh37 (hg19) VCF-style: chr11-86666030-G-T.
Other names: short protein forms P33Q.
Identifiers: ClinVar variation 1303889 (VCV001303889.10), dbSNP rs756119359, ClinGen allele CA6218530.
Genomic context (GRCh38, chr11:86,954,988, plus strand): 5'-CACATGGAGATGCGGATGGGGTCGCAGCGCCGCTCTTCCTCGTCCCCGAAGCCCCGCGCC[G>T]GCCCCAGGAGCAGCAGCAACTGCAGGAGCAACCCCAGACTGAGACCGACGCCCCCGGGCG-3'
Protein context (NP_036325.2, residues 23-43): LLLQLLLLLG[Pro33Gln]ARGFGDEEER